The following is an entry in ClinVar:

ClinVar aggregate classification (germline): Pathogenic. Review status: criteria provided, multiple submitters, no conflicts (2 of 4 stars). 2 submissions from 2 submitters: Pathogenic (2). Last evaluated 2025-11-12.

Conditions:
Cardiovascular phenotype. Identifiers: MedGen CN230736.
Hypertrophic cardiomyopathy. Also called: HYPERTROPHIC MYOCARDIOPATHY. Identifiers: Orphanet 217569, MedGen C0007194, MeSH D002312, MONDO:0005045, HP:0001639.

Submissions (2):

Ambry Genetics
Classification: Pathogenic for Cardiovascular phenotype. Last evaluated: 2025-11-12. Review status: criteria provided, single submitter. Criteria: Ambry Variant Classification Scheme 2023. Collection method: clinical testing. Allele origin: germline.
Comment: The c.3100delG pathogenic mutation, located in coding exon 29 of the MYBPC3 gene, results from a deletion of one nucleotide at nucleotide position 3100, causing a translational frameshift with a predicted alternate stop codon (p.A1034Pfs*12). This variant was reported in individual(s) with features consistent with hypertrophic cardiomyopathy (Ho CY et al. Circulation, 2018 Oct;138:1387-1398; O'Leary TS et al. J Mol Cell Cardiol, 2019 Feb;127:165-173). This variant is considered to be rare based on population cohorts in the Genome Aggregation Database (gnomAD). This alteration is expected to result in loss of function by premature protein truncation or nonsense-mediated mRNA decay. As such, this alteration is interpreted as a disease-causing mutation.

Labcorp Genetics (formerly Invitae), Labcorp
Classification: Pathogenic for Hypertrophic cardiomyopathy. Last evaluated: 2018-05-01. Review status: criteria provided, single submitter. Criteria: Invitae Variant Classification Sherloc (09022015). Collection method: clinical testing. Allele origin: germline.
Comment: For these reasons, this variant has been classified as Pathogenic. Loss-of-function variants in MYBPC3 are known to be pathogenic (PMID: 19574547). This variant has not been reported in the literature in individuals with MYBPC3-related disease. ClinVar contains an entry for this variant (Variation ID: 407309). This variant is not present in population databases (ExAC no frequency). This sequence change creates a premature translational stop signal (p.Ala1034Profs*12) in the MYBPC3 gene. It is expected to result in an absent or disrupted protein product.

Literature cited by the submitters: PubMed 30297972 (cited by Ambry Genetics); PubMed 30550750 (cited by Ambry Genetics); PubMed 19574547 (cited by Labcorp Genetics (formerly Invitae), Labcorp).

NM_000256.3(MYBPC3):c.3100del (p.Ala1034fs)

Gene: MYBPC3 (myosin binding protein C3; minus strand). Cytogenetic location: 11p11.2.
Variant type: Deletion.
Coding change: c.3100del on transcript NM_000256.3 (MANE Select); coding-DNA position 3100, one base deleted (G; older notation c.3100delG).
Protein change: p.Ala1034fs; shifts the reading frame from alanine 1034.
Molecular consequence: frameshift variant.
Genome position (GRCh38, 1-based): chr11:47,333,647, C deleted on the plus strand (G on the coding strand, the reverse complement: MYBPC3 is on the minus strand); the first of 3 consecutive C bases (chr11:47,333,647-47,333,649); deleting any one gives the same sequence. VCF-style (leftmost placement, unchanged base first): chr11-47333646-GC-G. GRCh37 (hg19) VCF-style: chr11-47355197-GC-G.
Other names: c.3100del, p.Ala1034fs (LRG_386t1); c.3100delG (NM_000256.3); short protein forms A1034fs.
Identifiers: ClinVar variation 407309 (VCV000407309.7), dbSNP rs1060501475, ClinGen allele CA16613610.